The following is an entry in ClinVar:

ClinVar aggregate classification (germline): Uncertain significance (1 of 4 stars; one submission).

Submission:

GeneDx
Classification: Uncertain significance. Last evaluated: 2025-03-05. Review status: criteria provided, single submitter. Criteria: GeneDx Variant Classification Process June 2021. Collection method: clinical testing. Allele origin: germline. Affected: yes.
Comment: Not observed at significant frequency in large population cohorts (gnomAD); In silico analysis supports that this missense variant has a deleterious effect on protein structure/function; Has not been previously published as pathogenic or benign to our knowledge

NM_014491.4(FOXP2):c.1366C>T (p.Pro456Ser)

Gene: FOXP2 (forkhead box P2; plus strand). Cytogenetic location: 7q31.1.
Variant type: single nucleotide variant.
Coding change: c.1366C>T on transcript NM_014491.4 (MANE Select); coding-DNA position 1366, C replaced by T.
Protein change: p.Pro456Ser; replaces proline 456 with serine.
Molecular consequence: missense variant. On other transcripts: non-coding transcript variant (1).
Genome position (GRCh38, 1-based): chr7:114,658,165, C>T. VCF-style: chr7-114658165-C-T. GRCh37 (hg19) VCF-style: chr7-114298220-C-T.
Other names: c.1363C>T, p.Pro455Ser (NM_001172766.3); c.1441C>T, p.Pro481Ser (NM_148898.4); c.1417C>T, p.Pro473Ser (NM_148900.4); short protein forms P455S, P456S, P473S, P481S.
Identifiers: ClinVar variation 4082756 (VCV004082756.1).
Genomic context (GRCh38, chr7:114,658,165, plus strand): 5'-TTGGAGACATCCCCACAGAGCTTACCTCAAACCCCTACCACACCAACGGCCCCAGTCACC[C>T]CGATTACCCAGGGACCCTCAGTAATCACCCCAGCCAGTGTGCCCAATGTGGGAGCCATAC-3'
Protein context (NP_055306.1, residues 446-466): TPTTPTAPVT[Pro456Ser]ITQGPSVITP